The following is an entry in ClinVar:

ClinVar aggregate classification (germline): Benign/Likely benign. Review status: criteria provided, multiple submitters, no conflicts (2 of 4 stars). 5 submissions from 5 submitters: Benign (4); Likely benign (1). Last evaluated 2026-02-01.

Conditions:
Retinal cone dystrophy 4 (RCD4). Identifiers: Orphanet 1872, MedGen C1864849, MONDO:0012507, OMIM 610478.

Allele frequency attached by ClinVar (database versions not stated): ESP Exome Variant Server 0.00788; TOPMed 0.01109; 1000 Genomes Project 0.01238; 1000 Genomes Project 30x 0.01359; gnomAD 0.01009 and 0.01079.
gnomAD v4.1: 3,377 of 1,607,862 alleles (0.21%); highest among the groups gnomAD compares: African/African-American, 3.4%; 51 homozygotes.

Submissions (5):

Labcorp Genetics (formerly Invitae), Labcorp
Classification: Benign. Last evaluated: 2026-02-01. Review status: criteria provided, single submitter. Criteria: Invitae Variant Classification Sherloc (09022015). Collection method: clinical testing. Allele origin: germline.

Fulgent Genetics
Classification: Likely benign for Retinal cone dystrophy 4. Last evaluated: 2022-05-20. Review status: criteria provided, single submitter. Criteria: ACMG Guidelines, 2015. Collection method: clinical testing. Allele origin: unknown.

Illumina Laboratory Services, Illumina
Classification: Benign for Retinal cone dystrophy 4. Last evaluated: 2018-01-13. Review status: criteria provided, single submitter. Criteria: ICSL Variant Classification Criteria 13 December 2019. Collection method: clinical testing. Allele origin: germline.
Comment: This variant was observed in the ICSL laboratory as part of a predisposition screen in an ostensibly healthy population. It had not been previously curated by ICSL or reported in the Human Gene Mutation Database (HGMD: prior to June 1st, 2018), and was therefore a candidate for classification through an automated scoring system. Utilizing variant allele frequency, disease prevalence and penetrance estimates, and inheritance mode, an automated score was calculated to assess if this variant is too frequent to cause the disease. Based on the score and internal cut-off values, a variant classified as benign is not then subjected to further curation. The score for this variant resulted in a classification of benign for this disease.

Breakthrough Genomics
Classification: Benign. Review status: criteria provided, single submitter. Criteria: ACMG Guidelines, 2015. Collection method: not provided. Allele origin: germline. Inheritance: Autosomal recessive inheritance. Affected: yes.

PreventionGenetics, part of Exact Sciences
Classification: Benign. Review status: criteria provided, single submitter. Criteria: ACMG Guidelines, 2015. Collection method: clinical testing. Allele origin: germline.

NM_172364.5(CACNA2D4):c.487-4C>T

Gene: CACNA2D4 (calcium voltage-gated channel auxiliary subunit alpha2delta 4; minus strand). Cytogenetic location: 12p13.33.
Variant type: single nucleotide variant.
Coding change: c.487-4C>T on transcript NM_172364.5 (MANE Select); 4 bases into the intron before coding-DNA position 487, C replaced by T.
Molecular consequence: intron variant.
Genome position (GRCh38, 1-based): chr12:1,908,041, G>A on the plus strand (C>T on the coding strand, the complement: CACNA2D4 is on the minus strand). VCF-style: chr12-1908041-G-A. GRCh37 (hg19) VCF-style: chr12-2017207-G-A.
Identifiers: ClinVar variation 262819 (VCV000262819.18), dbSNP rs60194757, ClinGen allele CA6387496.